The following is an entry in ClinVar:

NM_015409.5(EP400):c.6252C>T (p.Ser2084=)

Gene: EP400 (E1A binding protein p400; plus strand). Cytogenetic location: 12q24.33.
Variant type: single nucleotide variant.
Coding change: c.6252C>T on transcript NM_015409.5 (MANE Select); coding-DNA position 6252, C replaced by T.
Protein change: p.Ser2084=; no amino-acid change (serine 2084 retained).
Molecular consequence: synonymous variant.
Genome position (GRCh38, 1-based): chr12:132,043,348, C>T. VCF-style: chr12-132043348-C-T. GRCh37 (hg19) VCF-style: chr12-132527893-C-T.
Identifiers: ClinVar variation 3057170 (VCV003057170.2), dbSNP rs200801198, ClinGen allele CA6886340.

ClinVar aggregate classification (germline): Likely benign (0 of 4 stars; one submission).

Conditions:
EP400-related disorder. Also called: EP400-related condition.

Allele frequency attached by ClinVar (database versions not stated): gnomAD 0.00007; TOPMed 0.00012; 1000 Genomes Project 30x 0.00016; 1000 Genomes Project 0.00020; ExAC 0.00023.
gnomAD v4.1: 86 of 1,614,006 alleles (0.0053%); highest among the groups gnomAD compares: East Asian, 0.14%; no homozygotes.

Submission:

PreventionGenetics, part of Exact Sciences
Classification: Likely benign for EP400-related condition. Last evaluated: 2019-08-07. Review status: no assertion criteria provided. Collection method: clinical testing. Allele origin: germline.
Comment: This variant is classified as likely benign based on ACMG/AMP sequence variant interpretation guidelines (Richards et al. 2015 PMID: 25741868, with internal and published modifications).